The following is an entry in ClinVar:

NM_006096.4(NDRG1):c.-19+367G>T

Gene: NDRG1 (N-myc downstream regulated 1; minus strand). Cytogenetic location: 8q24.22.
Variant type: single nucleotide variant.
Coding change: c.-19+367G>T on transcript NM_006096.4 (MANE Select); 367 bases into the intron after 19 bases upstream of the start codon, G replaced by T.
Molecular consequence: intron variant. On other transcripts: 5 prime UTR variant (1).
Genome position (GRCh38, 1-based): chr8:133,296,767, C>A on the plus strand (G>T on the coding strand, the complement: NDRG1 is on the minus strand). VCF-style: chr8-133296767-C-A. GRCh37 (hg19) VCF-style: chr8-134309010-C-A.
Other names: c.-49G>T (NM_001135242.2); c.-100+367G>T (NM_001258432.2); c.-136+367G>T (NM_001374847.1); c.-156+367G>T (NM_001258433.2); c.-19+367G>T (NM_001374844.1); c.-19+237G>T (NM_001374845.1).
Identifiers: ClinVar variation 380848 (VCV000380848.2), dbSNP rs77890421, ClinGen allele CA12886601.

ClinVar aggregate classification (germline): Benign. Review status: criteria provided, multiple submitters, no conflicts (2 of 4 stars). 2 submissions from 2 submitters: Benign (2). Last evaluated 2016-01-09.

Allele frequency attached by ClinVar (database versions not stated): 1000 Genomes Project 30x 0.05793; 1000 Genomes Project 0.05931; TOPMed 0.06664; gnomAD 0.07064 and 0.07116; gnomAD exomes 0.07238.
gnomAD v4.1: 15,981 of 223,698 alleles (7.1%); highest among the groups gnomAD compares: Non-Finnish European, 9.3%; 800 homozygotes.

Submissions (2):

GeneDx
Classification: Benign. Last evaluated: 2016-01-09. Review status: criteria provided, single submitter. Criteria: GeneDx Variant Classification (06012015). Collection method: clinical testing. Allele origin: germline. Affected: yes.
Comment: This variant is considered likely benign or benign based on one or more of the following criteria: it is a conservative change, it occurs at a poorly conserved position in the protein, it is predicted to be benign by multiple in silico algorithms, and/or has population frequency not consistent with disease.

Breakthrough Genomics
Classification: Benign. Review status: criteria provided, single submitter. Criteria: ACMG Guidelines, 2015. Collection method: not provided. Allele origin: germline. Inheritance: Autosomal recessive inheritance. Affected: yes.